The following is an entry in ClinVar:

ClinVar aggregate classification (germline): Likely pathogenic (1 of 4 stars; one submission).

Conditions:
Congenital lactic acidosis, Saguenay-Lac-Saint-Jean type (MC4DN5). Also called: CYTOCHROME c OXIDASE DEFICIENCY, FRENCH CANADIAN TYPE; COX DEFICIENCY, FRENCH CANADIAN TYPE; MITOCHONDRIAL COMPLEX IV DEFICIENCY, NUCLEAR TYPE 5. Identifiers: Orphanet 70472, MedGen C1857355, MONDO:0009069, OMIM 220111.

Submission:

Myriad Genetics, Inc.
Classification: Likely pathogenic for Congenital lactic acidosis, Saguenay-Lac-Saint-Jean type. Last evaluated: 2022-05-04. Review status: criteria provided, single submitter. Criteria: Myriad Women's Health Autosomal Recessive and X-Linked Classification Criteria (2021). Collection method: clinical testing. Allele origin: unknown.
Comment: NM_133259.3(LRPPRC):c.3691G>T(E1231*) is expected to be pathogenic in the context of Leigh syndrome, French-Canadian type. This variant is predicted to lead to an abnormal or absent protein product due to the creation of a premature termination codon in LRPPRC, a gene where loss-of-function variants are known to be pathogenic. Please note: this variant was assessed in the context of healthy population screening.

NM_133259.4(LRPPRC):c.3691G>T (p.Glu1231Ter)

Gene: LRPPRC (leucine rich pentatricopeptide repeat containing; minus strand). Cytogenetic location: 2p21.
Variant type: single nucleotide variant.
Coding change: c.3691G>T on transcript NM_133259.4 (MANE Select); coding-DNA position 3691, G replaced by T.
Protein change: p.Glu1231Ter; replaces glutamic acid 1231 with a stop codon.
Molecular consequence: nonsense.
Genome position (GRCh38, 1-based): chr2:43,899,484, C>A on the plus strand (G>T on the coding strand, the complement: LRPPRC is on the minus strand). VCF-style: chr2-43899484-C-A. GRCh37 (hg19) VCF-style: chr2-44126623-C-A.
Other names: short protein forms E1231*.
Identifiers: ClinVar variation 1726020 (VCV001726020.2), dbSNP rs2466378042, ClinGen allele CA346676824.
Genomic context (GRCh38, chr2:43,899,484, plus strand): 5'-AAAATGTGCTTGTGTGTTCTTTAGCACAAACAACTAACTTACTCTTTTCAACTGCTGGTT[C>A]CAACTGCTCCTCTATTACTTTTCTGAATAAGTATGCCAAGCCGAAGTATTGGGGTTCAAT-3'